The following is an entry in ClinVar:

ClinVar aggregate classification (germline): Conflicting classifications of pathogenicity. Review status: criteria provided, conflicting classifications (1 of 4 stars). 3 submissions from 3 submitters: Uncertain significance (2); Likely benign (1). Last evaluated 2024-11-24.

Conditions:
Inborn genetic diseases. Identifiers: MedGen C0950123, MeSH D030342.

Allele frequency attached by ClinVar (database versions not stated): ExAC 0.00006; ESP Exome Variant Server 0.00008; gnomAD exomes 0.00008 and 0.00010; gnomAD 0.00010 and 0.00011; TOPMed 0.00017.

Submissions (3):

Ambry Genetics
Classification: Uncertain significance for Inborn genetic diseases. Last evaluated: 2024-11-24. Review status: criteria provided, single submitter. Criteria: Ambry Variant Classification Scheme 2023. Collection method: clinical testing. Allele origin: germline.

Blueprint Genetics
Classification: Likely benign. Last evaluated: 2023-05-05. Review status: criteria provided, single submitter. Criteria: ACMG Guidelines, 2015. Collection method: clinical testing. Allele origin: germline.

Labcorp Genetics (formerly Invitae), Labcorp
Classification: Uncertain significance. Last evaluated: 2022-03-11. Review status: criteria provided, single submitter. Criteria: Invitae Variant Classification Sherloc (09022015). Collection method: clinical testing. Allele origin: germline.
Comment: This sequence change replaces arginine, which is basic and polar, with tryptophan, which is neutral and slightly polar, at codon 106 of the ATF6 protein (p.Arg106Trp). This variant is present in population databases (rs150872316, gnomAD 0.04%). This variant has not been reported in the literature in individuals affected with ATF6-related conditions. ClinVar contains an entry for this variant (Variation ID: 849785). Algorithms developed to predict the effect of missense changes on protein structure and function are either unavailable or do not agree on the potential impact of this missense change (SIFT: "Deleterious"; PolyPhen-2: "Benign"; Align-GVGD: "Class C0"). In summary, the available evidence is currently insufficient to determine the role of this variant in disease. Therefore, it has been classified as a Variant of Uncertain Significance.

NM_007348.4(ATF6):c.316C>T (p.Arg106Trp)

Gene: ATF6 (activating transcription factor 6; plus strand). Cytogenetic location: 1q23.3.
Variant type: single nucleotide variant.
Coding change: c.316C>T on transcript NM_007348.4 (MANE Select); coding-DNA position 316, C replaced by T.
Protein change: p.Arg106Trp; replaces arginine 106 with tryptophan.
Molecular consequence: missense variant.
Genome position (GRCh38, 1-based): chr1:161,784,058, C>T. VCF-style: chr1-161784058-C-T. GRCh37 (hg19) VCF-style: chr1-161753848-C-T.
Other names: short protein forms R106W.
Identifiers: ClinVar variation 849785 (VCV000849785.6), dbSNP rs150872316, ClinGen allele CA1214162.